The following is an entry in ClinVar:

NM_001002294.3(FMO3):c.713G>A (p.Arg238Gln)

Gene: FMO3 (flavin containing dimethylaniline monoxygenase 3; plus strand). Cytogenetic location: 1q24.3.
Variant type: single nucleotide variant.
Coding change: c.713G>A on transcript NM_001002294.3 (MANE Select); coding-DNA position 713, G replaced by A.
Protein change: p.Arg238Gln; replaces arginine 238 with glutamine.
Molecular consequence: missense variant.
Genome position (GRCh38, 1-based): chr1:171,110,883, G>A. VCF-style: chr1-171110883-G-A. GRCh37 (hg19) VCF-style: chr1-171080024-G-A.
Other names: c.653G>A, p.Arg218Gln (NM_001319173.2); c.524G>A, p.Arg175Gln (NM_001319174.2); c.713G>A, p.Arg238Gln (NM_006894.6); short protein forms R218Q, R175Q, R238Q.
Identifiers: ClinVar variation 874042 (VCV000874042.8), dbSNP rs748324481, ClinGen allele CA1240636.
Genomic context (GRCh38, chr1:171,110,883, plus strand): 5'-CCTGGGTGATGAGCCGGGTCTGGGACAATGGTTATCCTTGGGACATGCTGCTCGTCACTC[G>A]ATTTGGAACCTTCCTCAAGAACAATTTACCGACAGCCATCTCTGACTGGTTGTACGTGAA-3'
Protein context (NP_001002294.1, residues 228-248): GYPWDMLLVT[Arg238Gln]FGTFLKNNLP

ClinVar aggregate classification (germline): Pathogenic/Likely pathogenic. Review status: criteria provided, multiple submitters, no conflicts (2 of 4 stars). 2 submissions from 2 submitters: Pathogenic (1); Likely pathogenic (1). Last evaluated 2024-05-23.

Conditions:
Trimethylaminuria (TMAU). Also called: FISH-ODOR SYNDROME; Fish malodor syndrome; Stale fish syndrome; TMAuria; Primary Trimethylaminuria. Identifiers: MedGen C0342739, MONDO:0011182, OMIM 602079, HP:0003614. Disease mechanism: loss of function.

Allele frequency attached by ClinVar (database versions not stated): gnomAD 0.00001; TOPMed 0.00003.
gnomAD v4.1: 39 of 1,613,908 alleles (0.0024%); highest among the groups gnomAD compares: Non-Finnish European, 0.003%; no homozygotes.

Submissions (2):

Fulgent Genetics
Classification: Likely pathogenic for Trimethylaminuria. Last evaluated: 2024-05-23. Review status: criteria provided, single submitter. Criteria: ACMG Guidelines, 2015. Collection method: clinical testing. Allele origin: germline.

Labcorp Genetics (formerly Invitae), Labcorp
Classification: Pathogenic. Last evaluated: 2023-07-17. Review status: criteria provided, single submitter. Criteria: Invitae Variant Classification Sherloc (09022015). Collection method: clinical testing. Allele origin: germline.
Comment: This variant is present in population databases (rs748324481, gnomAD 0.007%). This sequence change replaces arginine, which is basic and polar, with glutamine, which is neutral and polar, at codon 238 of the FMO3 protein (p.Arg238Gln). For these reasons, this variant has been classified as Pathogenic. This variant disrupts the p.Arg238 amino acid residue in FMO3. Other variant(s) that disrupt this residue have been determined to be pathogenic (PMID: 16600650, 34834137). This suggests that this residue is clinically significant, and that variants that disrupt this residue are likely to be disease-causing. Experimental studies have shown that this missense change affects FMO3 function (PMID: 19577495). Advanced modeling of protein sequence and biophysical properties (such as structural, functional, and spatial information, amino acid conservation, physicochemical variation, residue mobility, and thermodynamic stability) has been performed at Invitae for this missense variant, however the output from this modeling did not meet the statistical confidence thresholds required to predict the impact of this variant on FMO3 protein function. ClinVar contains an entry for this variant (Variation ID: 874042). This missense change has been observed in individual(s) with clinical features of trimethylaminuria and/or trimethylaminuria (PMID: 15564885, 19577495, 34834137).

Literature cited by the submitters: PubMed 16600650 (cited by Labcorp Genetics (formerly Invitae), Labcorp); PubMed 34834137 (cited by Labcorp Genetics (formerly Invitae), Labcorp); PubMed 19577495 (cited by Labcorp Genetics (formerly Invitae), Labcorp); PubMed 15564885 (cited by Labcorp Genetics (formerly Invitae), Labcorp).